The following is an entry in ClinVar:

ClinVar aggregate classification (germline): Conflicting classifications of pathogenicity. Review status: criteria provided, conflicting classifications (1 of 4 stars). 3 submissions from 3 submitters: Likely pathogenic (1); Uncertain significance (2). Last evaluated 2026-06-05.

Conditions:
Hereditary cancer-predisposing syndrome. Also called: Neoplastic Syndromes, Hereditary; Tumor predisposition; Hereditary Cancer Syndrome; Hereditary neoplastic syndrome. Identifiers: Orphanet 140162, MedGen C0027672, MeSH D009386, MONDO:0015356.
Familial cancer of breast. Also called: BREAST CANCER, FAMILIAL; Hereditary breast cancer; hereditary breast carcinoma. Identifiers: Orphanet 227535, MedGen C0346153, MONDO:0016419, OMIM 114480. Disease mechanism: loss of function.

Allele frequency attached by ClinVar (database versions not stated): ExAC 0.00001.

Submissions (3):

Ambry Genetics
Classification: Likely pathogenic for Hereditary cancer-predisposing syndrome. Last evaluated: 2026-06-05. Review status: criteria provided, single submitter. Criteria: Ambry Variant Classification Scheme 2023. Collection method: clinical testing. Allele origin: germline.
Comment: The c.1568+2dupT intronic variant is located 2 nucleotides after coding exon 6 of the BARD1 gene. This variant results from a duplication of one nucleotide at position c.1568+2. This nucleotide position is highly conserved in available vertebrate species. In silico splice site analysis predicts that this alteration will weaken the native splice donor site. This variant is considered to be rare based on population cohorts in the Genome Aggregation Database (gnomAD). Alterations that disrupt the canonical splice site are expected to cause aberrant splicing, resulting in an abnormal protein or a transcript that is subject to nonsense-mediated mRNA decay. As such, this alteration is classified as likely pathogenic.

Labcorp Genetics (formerly Invitae), Labcorp
Classification: Uncertain significance for Familial cancer of breast. Last evaluated: 2025-08-31. Review status: criteria provided, single submitter. Criteria: Invitae Variant Classification Sherloc (09022015). Collection method: clinical testing. Allele origin: germline.
Comment: This sequence change falls in intron 6 of the BARD1 gene. It does not directly change the encoded amino acid sequence of the BARD1 protein. It affects a nucleotide within the consensus splice site. This variant is present in population databases (rs761579543, gnomAD 0.007%). This variant has not been reported in the literature in individuals affected with BARD1-related conditions. ClinVar contains an entry for this variant (Variation ID: 1775411). Variants that disrupt the consensus splice site are a relatively common cause of aberrant splicing (PMID: 17576681, 9536098). Algorithms developed to predict the effect of sequence changes on RNA splicing suggest that this variant may disrupt the consensus splice site. In summary, the available evidence is currently insufficient to determine the role of this variant in disease. Therefore, it has been classified as a Variant of Uncertain Significance.

Color Diagnostics, LLC DBA Color Health
Classification: Uncertain significance for Hereditary cancer-predisposing syndrome. Last evaluated: 2025-04-28. Review status: criteria provided, single submitter. Criteria: ACMG Guidelines, 2015. Collection method: clinical testing. Allele origin: germline.
Comment: This variant causes a duplication of one nucleotide at the +2 position in intron 6 of the BARD1 gene. Splice site prediction tools predict that this variant may have a significant impact on RNA splicing. To our knowledge, RNA studies have not been reported for this variant. This variant has not been reported in individuals affected with BARD1-related disorders in the literature. This variant has been identified in 1/251120 chromosomes in the general population by the Genome Aggregation Database (gnomAD). Although there is a suspicion that this variant may be associated with disease, additional studies are necessary to determine the role of this variant in disease conclusively. Therefore, this variant is classified as a Variant of Uncertain Significance.

Literature cited by the submitters: PubMed 17576681 (cited by Labcorp Genetics (formerly Invitae), Labcorp); PubMed 9536098 (cited by Labcorp Genetics (formerly Invitae), Labcorp).

NM_000465.4(BARD1):c.1568+2dup

Gene: BARD1 (BRCA1 associated RING domain 1; minus strand). Cytogenetic location: 2q35.
Variant type: Duplication.
Coding change: c.1568+2dup on transcript NM_000465.4 (MANE Select); the canonical splice donor site of the intron after coding-DNA position 1568, one base duplicated (T; older notation c.1568+2dupT).
Molecular consequence: splice donor variant. On other transcripts: intron variant (3).
Genome position (GRCh38, 1-based): chr2:214,767,480, A duplicated on the plus strand (T on the coding strand, the reverse complement: BARD1 is on the minus strand). VCF-style (leftmost placement, unchanged base first): chr2-214767479-T-TA. GRCh37 (hg19) VCF-style: chr2-215632203-T-TA.
Other names: c.159-14925dup (NM_001282548.2); c.1511+2dup (NM_001282543.2); c.216-14925dup (NM_001282545.2); c.364+24817dup (NM_001282549.2).
Identifiers: ClinVar variation 1775411 (VCV001775411.9), dbSNP rs761579543, ClinGen allele CA2090238.